The following is an entry in ClinVar:

NM_000540.3(RYR1):c.9572G>C (p.Gly3191Ala)

Gene: RYR1 (ryanodine receptor 1; plus strand). Cytogenetic location: 19q13.2.
Variant type: single nucleotide variant.
Coding change: c.9572G>C on transcript NM_000540.3 (MANE Select); coding-DNA position 9572, G replaced by C.
Protein change: p.Gly3191Ala; replaces glycine 3191 with alanine.
Molecular consequence: missense variant.
Genome position (GRCh38, 1-based): chr19:38,516,104, G>C. VCF-style: chr19-38516104-G-C. GRCh37 (hg19) VCF-style: chr19-39006744-G-C.
Other names: c.9572G>C, p.Gly3191Ala (NM_001042723.2); short protein forms G3191A.
Identifiers: ClinVar variation 4691269 (VCV004691269.1).

ClinVar aggregate classification (germline): Uncertain significance (1 of 4 stars; one submission).

Conditions:
RYR1-related disorder. Also called: RYR1-related condition; RYR1-related disorders. Identifiers: MedGen CN239331.

Submission:

Labcorp Genetics (formerly Invitae), Labcorp
Classification: Uncertain significance for RYR1-related disorder. Last evaluated: 2025-05-11. Review status: criteria provided, single submitter. Criteria: Invitae Variant Classification Sherloc (09022015). Collection method: clinical testing. Allele origin: germline.
Comment: This sequence change replaces glycine, which is neutral and non-polar, with alanine, which is neutral and non-polar, at codon 3191 of the RYR1 protein (p.Gly3191Ala). This variant is not present in population databases (gnomAD no frequency). This variant has not been reported in the literature in individuals affected with RYR1-related conditions. Invitae Evidence Modeling of protein sequence and biophysical properties (such as structural, functional, and spatial information, amino acid conservation, physicochemical variation, residue mobility, and thermodynamic stability) indicates that this missense variant is expected to disrupt RYR1 protein function with a positive predictive value of 80%. This variant disrupts the p.Gly3191 amino acid residue in RYR1. Other variant(s) that disrupt this residue have been determined to be pathogenic (PMID: 35693006; internal data). This suggests that this residue is clinically significant, and that variants that disrupt this residue are likely to be disease-causing. In summary, the available evidence is currently insufficient to determine the role of this variant in disease. Therefore, it has been classified as a Variant of Uncertain Significance.

Literature cited by the submitters: PubMed 35693006.